The following is an entry in ClinVar:

ClinVar aggregate classification (germline): Uncertain significance (1 of 4 stars; one submission).

Conditions:
DNMT1-related disorder. Also called: DNMT1-related condition. Identifiers: MedGen CN381527.

Submission:

PreventionGenetics, part of Exact Sciences
Classification: Uncertain significance for DNMT1-related condition. Last evaluated: 2025-04-17. Review status: criteria provided, single submitter. Criteria: ACMG Guidelines, 2015. Collection method: clinical testing. Allele origin: germline.
Comment: The DNMT1 c.1388C>T variant is predicted to result in the amino acid substitution p.Pro463Leu. To our knowledge, this variant has not been reported in the literature or in a large population database (gnomAD), indicating this variant is rare. At this time, the clinical significance of this variant is uncertain due to the absence of conclusive functional and genetic evidence.

NM_001130823.3(DNMT1):c.1388C>T (p.Pro463Leu)

Gene: DNMT1 (DNA methyltransferase 1; minus strand). Cytogenetic location: 19p13.2.
Variant type: single nucleotide variant.
Coding change: c.1388C>T on transcript NM_001130823.3 (MANE Select); coding-DNA position 1388, C replaced by T.
Protein change: p.Pro463Leu; replaces proline 463 with leucine.
Molecular consequence: missense variant.
Genome position (GRCh38, 1-based): chr19:10,156,402, G>A on the plus strand (C>T on the coding strand, the complement: DNMT1 is on the minus strand). VCF-style: chr19-10156402-G-A. GRCh37 (hg19) VCF-style: chr19-10267078-G-A.
Other names: c.1340C>T, p.Pro447Leu (NM_001318730.2, NM_001379.4); c.1025C>T, p.Pro342Leu (NM_001318731.2); short protein forms P342L, P447L, P463L.
Identifiers: ClinVar variation 4998461 (VCV004998461.1).
Genomic context (GRCh38, chr19:10,156,402, plus strand): 5'-TGGCTGTTTTTAAAGTGTGCCCCAAACATAATCCCGGACTATTCCTTACCTTCAAGAGAT[G>A]GGTCATCATCATAGATTGGTTTTGCTGAACCAGAAAAGAAGAGTTCGATATTCTTCTCGA-3'
Protein context (NP_001124295.1, residues 453-473): GSAKPIYDDD[Pro463Leu]SLEGGVNGKN